The following is an entry in ClinVar:

ClinVar aggregate classification (germline): Uncertain significance (1 of 4 stars; one submission).

Conditions:
Hereditary cancer-predisposing syndrome. Also called: Neoplastic Syndromes, Hereditary; Tumor predisposition; Hereditary neoplastic syndrome; Hereditary Cancer Syndrome. Identifiers: Orphanet 140162, MedGen C0027672, MeSH D009386, MONDO:0015356.

Submission:

Ambry Genetics
Classification: Uncertain significance for Hereditary cancer-predisposing syndrome. Last evaluated: 2022-12-22. Review status: criteria provided, single submitter. Criteria: Ambry Variant Classification Scheme 2023. Collection method: clinical testing. Allele origin: germline.
Comment: The p.A93S variant (also known as c.277G>T), located in coding exon 3 of the SMARCB1 gene, results from a G to T substitution at nucleotide position 277. The alanine at codon 93 is replaced by serine, an amino acid with similar properties. This amino acid position is highly conserved in available vertebrate species. In addition, the in silico prediction for this alteration is inconclusive. Missense and in-frame variants in SMARCB1 are known to cause neurodevelopmental disorders; however, such associations with rhabdoid tumor predisposition syndrome are exceedingly rare (Kosho T et al. Am J Med Genet C Semin Med Genet. 2014 Sep;166C(3):262-75; Eaton KW et al. Pediatr Blood Cancer. 2011 Jan;56(1):7-15). Since supporting evidence is limited at this time, the clinical significance of this alteration remains unclear.

NM_003073.5(SMARCB1):c.277G>T (p.Ala93Ser)

Gene: SMARCB1 (SWI/SNF related BAF chromatin remodeling complex subunit B1; plus strand). Cytogenetic location: 22q11.23.
Variant type: single nucleotide variant.
Coding change: c.277G>T on transcript NM_003073.5 (MANE Select); coding-DNA position 277, G replaced by T.
Protein change: p.Ala93Ser; replaces alanine 93 with serine.
Molecular consequence: missense variant.
Genome position (GRCh38, 1-based): chr22:23,793,603, G>T. VCF-style: chr22-23793603-G-T. GRCh37 (hg19) VCF-style: chr22-24135790-G-T.
Other names: c.250G>T, p.Ala84Ser (NM_001007468.3, NM_001317946.2); c.277G>T, p.Ala93Ser (NM_001362877.2); short protein forms A84S, A93S.
Identifiers: ClinVar variation 2452592 (VCV002452592.2), dbSNP rs2145963919, ClinGen allele CA410933728.